The following is an entry in ClinVar:

NM_198904.4(GABRG2):c.354G>A (p.Ala118=)

Gene: GABRG2 (gamma-aminobutyric acid type A receptor subunit gamma2; plus strand). Cytogenetic location: 5q34.
Variant type: single nucleotide variant.
Coding change: c.354G>A on transcript NM_198904.4 (MANE Select); coding-DNA position 354, G replaced by A.
Protein change: p.Ala118=; no amino-acid change (alanine 118 retained).
Molecular consequence: synonymous variant. On other transcripts: intron variant (2).
Genome position (GRCh38, 1-based): chr5:162,097,664, G>A. VCF-style: chr5-162097664-G-A. GRCh37 (hg19) VCF-style: chr5-161524670-G-A.
Other names: p.Ala118=; c.354G>A, p.Ala118= (NM_000816.3, NM_001375340.1, NM_001375341.1 and 4 more transcripts); c.345G>A, p.Ala115= (NM_001375339.1); c.288G>A, p.Ala96= (NM_001375345.1, NM_001375346.1); c.267G>A, p.Ala89= (NM_001375347.1); c.69G>A, p.Ala23= (NM_001375349.1); c.-31-36G>A (NM_001375350.1, NM_001375348.1).
Identifiers: ClinVar variation 129128 (VCV000129128.29), dbSNP rs61735412, ClinGen allele CA152931.

ClinVar aggregate classification (germline): Benign/Likely benign. Review status: criteria provided, multiple submitters, no conflicts (2 of 4 stars). 8 submissions from 8 submitters: Benign (5); Likely benign (2). 1 of the submissions does not count toward it. Last evaluated 2026-02-03.

Conditions:
Inborn genetic diseases. Identifiers: MedGen C0950123, MeSH D030342.
EPILEPSY, CHILDHOOD ABSENCE, SUSCEPTIBILITY TO, 2 (ECA2). Identifiers: Orphanet 64280, MedGen C1843244, OMIM 607681.
Febrile seizures, familial, 8 (FEB8). Also called: CONVULSIONS, FAMILIAL FEBRILE, 8. Identifiers: Orphanet 36387, MedGen C1969810, MONDO:0011891, OMIM 607681.

Allele frequency attached by ClinVar (database versions not stated): gnomAD exomes 0.00423; ExAC 0.00519; gnomAD 0.01575 and 0.01699; TOPMed 0.01838; ESP Exome Variant Server 0.02014; 1000 Genomes Project 0.02057; 1000 Genomes Project 30x 0.02077.
gnomAD v4.1: 5,155 of 1,612,768 alleles (0.32%); highest among the groups gnomAD compares: African/African-American, 5.5%; 131 homozygotes.

Submissions (8):

Labcorp Genetics (formerly Invitae), Labcorp
Classification: Benign for Febrile seizures, familial, 8; EPILEPSY, CHILDHOOD ABSENCE, SUSCEPTIBILITY TO, 2. Last evaluated: 2026-02-03. Review status: criteria provided, single submitter. Criteria: Invitae Variant Classification Sherloc (09022015). Collection method: clinical testing. Allele origin: germline.

Athena Diagnostics
Classification: Benign. Last evaluated: 2024-10-31. Review status: criteria provided, single submitter. Criteria: Athena Diagnostics Criteria. Collection method: clinical testing. Allele origin: unknown.

Mayo Clinic Laboratories, Mayo Clinic
Classification: Benign. Last evaluated: 2018-04-10. Review status: criteria provided, single submitter. Criteria: ACMG Guidelines, 2015. Collection method: clinical testing. Allele origin: germline. Observed: 12 variant alleles.

Illumina Laboratory Services, Illumina
Classification: Likely benign for Febrile seizures, familial, 8. Last evaluated: 2017-04-27. Review status: criteria provided, single submitter. Criteria: ICSL Variant Classification Criteria 13 December 2019. Collection method: clinical testing. Allele origin: germline.
Comment: This variant was observed as part of a predisposition screen in an ostensibly healthy population. A literature search was performed for the gene, cDNA change, and amino acid change (where applicable). No publications were found based on this search. Allele frequency data from public databases allowed determination this variant is unlikely to cause disease. Therefore, this variant is classified as likely benign.

Ambry Genetics
Classification: Benign for Inborn genetic diseases. Last evaluated: 2016-01-08. Review status: criteria provided, single submitter. Criteria: Ambry Variant Classification Scheme 2023. Collection method: clinical testing. Allele origin: germline.

GeneDx
Classification: Benign. Last evaluated: 2015-03-03. Review status: criteria provided, single submitter. Criteria: GeneDx Variant Classification Process June 2021. Collection method: clinical testing. Allele origin: germline. Affected: yes.

Breakthrough Genomics
Classification: Likely benign. Review status: criteria provided, single submitter. Criteria: ACMG Guidelines, 2015. Collection method: not provided. Allele origin: germline. Inheritance: Autosomal dominant inheritance. Affected: yes.

Genetic Services Laboratory, University of Chicago
Classification: Likely benign for AllHighlyPenetrant. Review status: no assertion criteria provided. Collection method: clinical testing. Allele origin: germline. Inheritance: Autosomal dominant inheritance. Not counted in ClinVar's aggregate classification.
Comment: Likely benign based on allele frequency in 1000 Genomes Project or ESP global frequency and its presence in a patient with a rare or unrelated disease phenotype. NOT Sanger confirmed.